The following is an entry in ClinVar:

NM_002469.3(MYF6):c.288A>T (p.Lys96Asn)

Gene: MYF6 (myogenic factor 6; plus strand). Cytogenetic location: 12q21.31.
Variant type: single nucleotide variant.
Coding change: c.288A>T on transcript NM_002469.3 (MANE Select); coding-DNA position 288, A replaced by T.
Protein change: p.Lys96Asn; replaces lysine 96 with asparagine.
Molecular consequence: missense variant.
Genome position (GRCh38, 1-based): chr12:80,708,007, A>T. VCF-style: chr12-80708007-A-T. GRCh37 (hg19) VCF-style: chr12-81101786-A-T.
Other names: short protein forms K96N.
Identifiers: ClinVar variation 943810 (VCV000943810.11), dbSNP rs377370090, ClinGen allele CA6703057.

ClinVar aggregate classification (germline): Uncertain significance (1 of 4 stars; one submission).

Conditions:
Autosomal dominant centronuclear myopathy. Also called: MYOTUBULAR MYOPATHY, AUTOSOMAL DOMINANT; Myopathy, centronuclear, 3. Identifiers: Orphanet 169189, MedGen C4551952, MeSH D020914, MONDO:0008048, OMIM 160150.

Allele frequency attached by ClinVar (database versions not stated): gnomAD exomes 0.00002 and 0.00004; ExAC 0.00006; ESP Exome Variant Server 0.00008; gnomAD 0.00015 and 0.00016; TOPMed 0.00020.
gnomAD v4.1: 34 of 1,614,030 alleles (0.0021%); highest among the groups gnomAD compares: African/African-American, 0.036%; no homozygotes.

Submission:

Labcorp Genetics (formerly Invitae), Labcorp
Classification: Uncertain significance for Autosomal dominant centronuclear myopathy. Last evaluated: 2021-07-13. Review status: criteria provided, single submitter. Criteria: Invitae Variant Classification Sherloc (09022015). Collection method: clinical testing. Allele origin: germline.
Comment: This sequence change replaces lysine with asparagine at codon 96 of the MYF6 protein (p.Lys96Asn). The lysine residue is highly conserved and there is a moderate physicochemical difference between lysine and asparagine. This variant is present in population databases (rs377370090, ExAC 0.06%). This variant has not been reported in the literature in individuals with MYF6-related conditions. Algorithms developed to predict the effect of missense changes on protein structure and function are either unavailable or do not agree on the potential impact of this missense change (SIFT: "Deleterious"; PolyPhen-2: "Benign"; Align-GVGD: "Class C65"). In summary, the available evidence is currently insufficient to determine the role of this variant in disease. Therefore, it has been classified as a Variant of Uncertain Significance.